The following is an entry in ClinVar:

ClinVar aggregate classification (germline): Pathogenic. Review status: criteria provided, multiple submitters, no conflicts (2 of 4 stars). 3 submissions from 3 submitters: Pathogenic (3). Last evaluated 2023-08-03.

Conditions:
L1CAM-related disorders.
Spastic paraplegia. Identifiers: MedGen C0037772, HP:0001258.

gnomAD v4.1: 1 of 1,210,937 alleles (0.000083%); highest among the groups gnomAD compares: Non-Finnish European, 0.00011%; no homozygotes.

Submissions (3):

GeneDx
Classification: Pathogenic. Last evaluated: 2023-08-03. Review status: criteria provided, single submitter. Criteria: GeneDx Variant Classification Process June 2021. Collection method: clinical testing. Allele origin: germline. Affected: yes.
Comment: Reported previously in association with X-linked hydrocephalus (MacFarlane et al., 1997; Bukvic et al., 2016; Lawrence et al., 2021); Nonsense variant predicted to result in protein truncation or nonsense mediated decay in a gene for which loss of function is a known mechanism of disease; Not observed at significant frequency in large population cohorts (gnomAD); This variant is associated with the following publications: (PMID: 25525159, 17328266, 33522008, Bukvic2006[CaseReport], 9195224, 19846429)

Labcorp Genetics (formerly Invitae), Labcorp
Classification: Pathogenic for Spastic paraplegia. Last evaluated: 2022-05-02. Review status: criteria provided, single submitter. Criteria: Invitae Variant Classification Sherloc (09022015). Collection method: clinical testing. Allele origin: germline.
Comment: For these reasons, this variant has been classified as Pathogenic. This sequence change creates a premature translational stop signal (p.Arg901*) in the L1CAM gene. It is expected to result in an absent or disrupted protein product. Loss-of-function variants in L1CAM are known to be pathogenic (PMID: 19846429). This variant is not present in population databases (gnomAD no frequency). This variant has not been reported in the literature in individuals affected with L1CAM-related conditions. ClinVar contains an entry for this variant (Variation ID: 1074837). Algorithms developed to predict the effect of sequence changes on RNA splicing suggest that this variant may create or strengthen a splice site.

Blueprint Genetics
Classification: Pathogenic for L1CAM-related disorders. Last evaluated: 2019-09-30. Review status: criteria provided, single submitter. Criteria: ACMG Guidelines, 2015. Collection method: clinical testing. Allele origin: germline. Affected: yes. Observed: 1 variant allele.

Literature cited by the submitters: PubMed 19846429 (cited by Labcorp Genetics (formerly Invitae), Labcorp).

NM_001278116.2(L1CAM):c.2701C>T (p.Arg901Ter)

Gene: L1CAM (L1 cell adhesion molecule; minus strand). Cytogenetic location: Xq28.
Variant type: single nucleotide variant.
Coding change: c.2701C>T on transcript NM_001278116.2 (MANE Select); coding-DNA position 2701, C replaced by T.
Protein change: p.Arg901Ter; replaces arginine 901 with a stop codon.
Molecular consequence: nonsense.
Genome position (GRCh38, 1-based): chrX:153,865,347, G>A on the plus strand (C>T on the coding strand, the complement: L1CAM is on the minus strand). VCF-style: chrX-153865347-G-A. GRCh37 (hg19) VCF-style: chrX-153130802-G-A.
Other names: c.2701C>T (NM_000425.3); c.2701C>T, p.Arg901Ter (NM_000425.5, NM_024003.3); c.2686C>T, p.Arg896Ter (NM_001143963.2); short protein forms R896*, R901*.
Identifiers: ClinVar variation 1074837 (VCV001074837.8), dbSNP rs2148494055, ClinGen allele CA415115662.